The following is an entry in ClinVar:

ClinVar aggregate classification (germline): Likely pathogenic (1 of 4 stars; one submission).

Conditions:
Neurofibromatosis, type 1 (NF1). Also called: Peripheral type neurofibromatosis; NEUROFIBROMATOSIS, TYPE I, SOMATIC; VON RECKLINGHAUSEN DISEASE; Neurofibromatosis, type I. Identifiers: Orphanet 636, MedGen C0027831, MONDO:0018975, OMIM 162200. Disease mechanism: loss of function.

Submission:

Labcorp Genetics (formerly Invitae), Labcorp
Classification: Likely pathogenic for Neurofibromatosis, type 1. Last evaluated: 2022-02-25. Review status: criteria provided, single submitter. Criteria: Invitae Variant Classification Sherloc (09022015). Collection method: clinical testing. Allele origin: germline.
Comment: In summary, the currently available evidence indicates that the variant is pathogenic, but additional data are needed to prove that conclusively. Therefore, this variant has been classified as Likely Pathogenic. This variant disrupts the p.Phe2365 amino acid residue in NF1. Other variant(s) that disrupt this residue have been determined to be pathogenic (Invitae). This suggests that this residue is clinically significant, and that variants that disrupt this residue are likely to be disease-causing. Advanced modeling of protein sequence and biophysical properties (such as structural, functional, and spatial information, amino acid conservation, physicochemical variation, residue mobility, and thermodynamic stability) performed at Invitae indicates that this missense variant is expected to disrupt NF1 protein function. This variant has not been reported in the literature in individuals affected with NF1-related conditions. This variant is not present in population databases (gnomAD no frequency). This sequence change replaces phenylalanine, which is neutral and non-polar, with isoleucine, which is neutral and non-polar, at codon 2365 of the NF1 protein (p.Phe2365Ile).

NM_001042492.3(NF1):c.7156T>A (p.Phe2386Ile)

Gene: NF1 (neurofibromin 1; plus strand). Cytogenetic location: 17q11.2.
Variant type: single nucleotide variant.
Coding change: c.7156T>A on transcript NM_001042492.3 (MANE Select); coding-DNA position 7156, T replaced by A.
Protein change: p.Phe2386Ile; replaces phenylalanine 2386 with isoleucine.
Molecular consequence: missense variant.
Genome position (GRCh38, 1-based): chr17:31,343,102, T>A. VCF-style: chr17-31343102-T-A. GRCh37 (hg19) VCF-style: chr17-29670120-T-A.
Other names: c.7093T>A, p.Phe2365Ile (NM_000267.4); short protein forms F2386I, F2365I.
Identifiers: ClinVar variation 2103355 (VCV002103355.4), dbSNP rs1597851418, ClinGen allele CA399015716.